The following is an entry in ClinVar:

NM_006186.4(NR4A2):c.374C>G (p.Ser125Cys)

Gene: NR4A2 (nuclear receptor subfamily 4 group A member 2; minus strand). Cytogenetic location: 2q24.1.
Variant type: single nucleotide variant.
Coding change: c.374C>G on transcript NM_006186.4 (MANE Select); coding-DNA position 374, C replaced by G.
Protein change: p.Ser125Cys; replaces serine 125 with cysteine.
Molecular consequence: missense variant.
Genome position (GRCh38, 1-based): chr2:156,329,813, G>C on the plus strand (C>G on the coding strand, the complement: NR4A2 is on the minus strand). VCF-style: chr2-156329813-G-C. GRCh37 (hg19) VCF-style: chr2-157186325-G-C.
Other names: c.185C>G, p.Ser62Cys (NM_173173.3); short protein forms S125C, S62C.
Identifiers: ClinVar variation 3338882 (VCV003338882.2).

ClinVar aggregate classification (germline): Likely pathogenic (1 of 4 stars; one submission).

gnomAD v4.1: 3 of 1,613,844 alleles (0.00019%); highest among the groups gnomAD compares: Non-Finnish European, 0.00025%; no homozygotes.

Submission:

GeneDx
Classification: Likely pathogenic. Last evaluated: 2026-08-05. Review status: criteria provided, single submitter. Criteria: GeneDx Variant Classification Process June 2021. Collection method: clinical testing. Allele origin: germline.
Comment: Identified in a patient with Parkinson's disease in published literature (PMID: 16532445); Published functional studies demonstrate a damaging effect (PMID: 17890097); In silico analysis supports that this missense variant has a deleterious effect on protein structure/function; Not observed at significant frequency in large population cohorts (gnomAD); This variant is associated with the following publications: (PMID: 16532445, 17890097, 19429166, 18684475, 35992907, 23409108, 19008336, 24866693, 37569656)